The following is an entry in ClinVar:

NM_005228.5(EGFR):c.1841G>A (p.Gly614Asp)

Gene: EGFR (epidermal growth factor receptor; plus strand). Cytogenetic location: 7p11.2.
Variant type: single nucleotide variant.
Coding change: c.1841G>A on transcript NM_005228.5 (MANE Select); coding-DNA position 1841, G replaced by A.
Protein change: p.Gly614Asp; replaces glycine 614 with aspartic acid.
Molecular consequence: missense variant.
Genome position (GRCh38, 1-based): chr7:55,165,398, G>A. VCF-style: chr7-55165398-G-A. GRCh37 (hg19) VCF-style: chr7-55233091-G-A.
Other names: c.1841G>A (NM_005228.3); c.1706G>A, p.Gly569Asp (NM_001346897.2, NM_001346899.2); c.1841G>A, p.Gly614Asp (NM_001346898.2, NM_201282.2, NM_201284.2); c.1682G>A, p.Gly561Asp (NM_001346900.2); c.1040G>A, p.Gly347Asp (NM_001346941.2); short protein forms G561D, G569D, G614D, G347D.
Identifiers: ClinVar variation 1370578 (VCV001370578.9), dbSNP rs750850720, ClinGen allele CA4265714.

ClinVar aggregate classification (germline): Conflicting classifications of pathogenicity. Review status: criteria provided, conflicting classifications (1 of 4 stars). 2 submissions from 2 submitters: Uncertain significance (1); Likely benign (1). Last evaluated 2025-10-29.

Conditions:
Hereditary cancer-predisposing syndrome. Also called: Neoplastic Syndromes, Hereditary; Tumor predisposition; Hereditary neoplastic syndrome; Hereditary Cancer Syndrome. Identifiers: Orphanet 140162, MedGen C0027672, MeSH D009386, MONDO:0015356.
EGFR-related lung cancer (EGFR). Identifiers: MedGen CN130014.

Allele frequency attached by ClinVar (database versions not stated): gnomAD exomes below 0.00001; ExAC 0.00001; gnomAD 0.00001; TOPMed 0.00001.
gnomAD v4.1: 7 of 1,614,022 alleles (0.00043%); highest among the groups gnomAD compares: South Asian, 0.0044%; no homozygotes.

Submissions (2):

Ambry Genetics
Classification: Likely benign for Hereditary cancer-predisposing syndrome. Last evaluated: 2025-10-29. Review status: criteria provided, single submitter. Criteria: Ambry Variant Classification Scheme 2023. Collection method: clinical testing. Allele origin: germline.

Labcorp Genetics (formerly Invitae), Labcorp
Classification: Uncertain significance for EGFR-related lung cancer. Last evaluated: 2025-09-10. Review status: criteria provided, single submitter. Criteria: Invitae Variant Classification Sherloc (09022015). Collection method: clinical testing. Allele origin: germline.
Comment: This sequence change replaces glycine, which is neutral and non-polar, with aspartic acid, which is acidic and polar, at codon 614 of the EGFR protein (p.Gly614Asp). This variant is present in population databases (rs750850720, gnomAD 0.003%). This variant has not been reported in the literature in individuals affected with EGFR-related conditions. ClinVar contains an entry for this variant (Variation ID: 1370578). An algorithm developed to predict the effect of missense changes on protein structure and function (PolyPhen-2) suggests that this variant is likely to be tolerated. In summary, the available evidence is currently insufficient to determine the role of this variant in disease. Therefore, it has been classified as a Variant of Uncertain Significance.